The following is an entry in ClinVar:

NM_003126.4(SPTA1):c.2029A>G (p.Lys677Glu)

Gene: SPTA1 (spectrin alpha, erythrocytic 1; minus strand). Cytogenetic location: 1q23.1.
Variant type: single nucleotide variant.
Coding change: c.2029A>G on transcript NM_003126.4 (MANE Select); coding-DNA position 2029, A replaced by G.
Protein change: p.Lys677Glu; replaces lysine 677 with glutamic acid.
Molecular consequence: missense variant.
Genome position (GRCh38, 1-based): chr1:158,667,867, T>C on the plus strand (A>G on the coding strand, the complement: SPTA1 is on the minus strand). VCF-style: chr1-158667867-T-C. GRCh37 (hg19) VCF-style: chr1-158637657-T-C.
Other names: p.Lys677Glu; c.2029A>G (NM_003126.2); short protein forms K677E.
Identifiers: ClinVar variation 993602 (VCV000993602.12), dbSNP rs761960429, ClinGen allele CA1183549.

ClinVar aggregate classification (germline): Conflicting classifications of pathogenicity. Review status: criteria provided, conflicting classifications (1 of 4 stars). 4 submissions from 4 submitters: Uncertain significance (3); Likely benign (1). Last evaluated 2025-08-28.

Allele frequency attached by ClinVar (database versions not stated): gnomAD 0.00004; TOPMed 0.00004; gnomAD exomes 0.00005 and 0.00010; ExAC 0.00011.
gnomAD v4.1: 38 of 1,613,856 alleles (0.0024%); highest among the groups gnomAD compares: Admixed American, 0.063%; no homozygotes.

Submissions (4):

Mayo Clinic Laboratories, Mayo Clinic
Classification: Uncertain significance. Last evaluated: 2025-08-28. Review status: criteria provided, single submitter. Criteria: ACMG Guidelines, 2015. Collection method: clinical testing. Allele origin: germline. Observed: 2 variant alleles.
Comment: BP4_moderate

Ambry Genetics
Classification: Likely benign. Last evaluated: 2025-01-09. Review status: criteria provided, single submitter. Criteria: Ambry Variant Classification Scheme 2023. Collection method: clinical testing. Allele origin: germline.

Revvity Omics, Revvity
Classification: Uncertain significance. Last evaluated: 2024-07-09. Review status: criteria provided, single submitter. Criteria: ACMG Guidelines, 2015. Collection method: clinical testing. Allele origin: germline.

ARUP Laboratories, Molecular Genetics and Genomics, ARUP Laboratories
Classification: Uncertain significance. Last evaluated: 2020-08-28. Review status: criteria provided, single submitter. Criteria: ARUP Molecular Germline Variant Investigation Process. Collection method: clinical testing. Allele origin: germline.